The following is an entry in ClinVar:

ClinVar aggregate classification (germline): Uncertain significance (1 of 4 stars; one submission).

gnomAD v4.1: 1 of 1,211,334 alleles (0.000083%); highest among the groups gnomAD compares: Non-Finnish European, 0.00011%; no homozygotes.

Submission:

Greenwood Genetic Center Diagnostic Laboratories, Greenwood Genetic Center
Classification: Uncertain significance. Last evaluated: 2024-06-18. Review status: criteria provided, single submitter. Criteria: ACMG Guidelines, 2015. Collection method: clinical testing. Allele origin: germline. Affected: yes.
Comment: PM2

NM_031407.7(HUWE1):c.8495-10T>G

Gene: HUWE1 (HECT, UBA and WWE domain containing E3 ubiquitin protein ligase 1; minus strand). Cytogenetic location: Xp11.22.
Variant type: single nucleotide variant.
Coding change: c.8495-10T>G on transcript NM_031407.7 (MANE Select); 10 bases into the intron before coding-DNA position 8495, T replaced by G.
Molecular consequence: intron variant.
Genome position (GRCh38, 1-based): chrX:53,552,903, A>C on the plus strand (T>G on the coding strand, the complement: HUWE1 is on the minus strand). VCF-style: chrX-53552903-A-C. GRCh37 (hg19) VCF-style: chrX-53579864-A-C.
Identifiers: ClinVar variation 3338561 (VCV003338561.1).
Genomic context (GRCh38, chrX:53,552,903, plus strand): 5'-TGACAGCCGTCAGTGCATCAGAATCCTCAGCTCTCTCTGGGGAAAGTGAGGCTAGGAAGA[A>C]GTTGCAGGGAGAGGTTAGGTTTCTATCTGGAACCGGGGCAAAATGACAGATAAGGTCTTT-3'